The following is an entry in ClinVar:

NM_006514.4(SCN10A):c.5178T>G (p.Asn1726Lys)

Gene: SCN10A (sodium voltage-gated channel alpha subunit 10; minus strand). Cytogenetic location: 3p22.2.
Variant type: single nucleotide variant.
Coding change: c.5178T>G on transcript NM_006514.4 (MANE Select); coding-DNA position 5178, T replaced by G.
Protein change: p.Asn1726Lys; replaces asparagine 1726 with lysine.
Molecular consequence: missense variant.
Genome position (GRCh38, 1-based): chr3:38,698,042, A>C on the plus strand (T>G on the coding strand, the complement: SCN10A is on the minus strand). VCF-style: chr3-38698042-A-C. GRCh37 (hg19) VCF-style: chr3-38739533-A-C.
Other names: c.5175T>G, p.Asn1725Lys (NM_001293306.2); c.4884T>G, p.Asn1628Lys (NM_001293307.2); c.5178T>G (NM_006514.2); short protein forms N1628K, N1725K, N1726K.
Identifiers: ClinVar variation 999598 (VCV000999598.7), dbSNP rs767177596, ClinGen allele CA2319728.

ClinVar aggregate classification (germline): Conflicting classifications of pathogenicity. Review status: criteria provided, conflicting classifications (1 of 4 stars). 2 submissions from 2 submitters: Uncertain significance (1); Likely benign (1). Last evaluated 2023-04-05.

Conditions:
Cardiovascular phenotype. Identifiers: MedGen CN230736.
Brugada syndrome. Also called: Sudden unexplained nocturnal death syndrome; Sudden Unexplained Death Syndrome; Sudden Unexplained Nocturnal Death Syndrome (SUNDS); Sudden unexpected nocturnal death syndrome. Identifiers: Orphanet 130, MedGen C1142166, MONDO:0015263.

Allele frequency attached by ClinVar (database versions not stated): TOPMed 0.00006.
gnomAD v4.1: 12 of 1,614,074 alleles (0.00074%); highest among the groups gnomAD compares: Admixed American, 0.015%; no homozygotes.

Submissions (2):

Ambry Genetics
Classification: Likely benign for Cardiovascular phenotype. Last evaluated: 2023-04-05. Review status: criteria provided, single submitter. Criteria: Ambry Variant Classification Scheme 2023. Collection method: clinical testing. Allele origin: germline.

Labcorp Genetics (formerly Invitae), Labcorp
Classification: Uncertain significance for Brugada syndrome. Last evaluated: 2021-02-17. Review status: criteria provided, single submitter. Criteria: Invitae Variant Classification Sherloc (09022015). Collection method: clinical testing. Allele origin: germline.
Comment: In summary, the available evidence is currently insufficient to determine the role of this variant in disease. Therefore, it has been classified as a Variant of Uncertain Significance. Algorithms developed to predict the effect of missense changes on protein structure and function are either unavailable or do not agree on the potential impact of this missense change (SIFT: "Deleterious"; PolyPhen-2: "Possibly Damaging"; Align-GVGD: "Class C0"). This variant has not been reported in the literature in individuals with SCN10A-related conditions. This variant is present in population databases (rs767177596, ExAC 0.03%). This sequence change replaces asparagine with lysine at codon 1726 of the SCN10A protein (p.Asn1726Lys). The asparagine residue is moderately conserved and there is a moderate physicochemical difference between asparagine and lysine.